The following is an entry in ClinVar:

ClinVar aggregate classification (germline): Likely benign. Review status: criteria provided, multiple submitters, no conflicts (2 of 4 stars). 4 submissions from 4 submitters: Likely benign (3). 1 of the submissions does not count toward it. Last evaluated 2025-07-27.

Conditions:
TBX15-related disorder. Also called: TBX15-related condition.
Pelviscapular dysplasia. Identifiers: Orphanet 93333, MedGen C1850040, MONDO:0009845, OMIM 260660.

Allele frequency attached by ClinVar (database versions not stated): gnomAD exomes 0.00040; ExAC 0.00047; gnomAD 0.00095 and 0.00101; 1000 Genomes Project 30x 0.00109; TOPMed 0.00118; 1000 Genomes Project 0.00120; ESP Exome Variant Server 0.00138.
gnomAD v4.1: 388 of 1,613,572 alleles (0.024%); highest among the groups gnomAD compares: African/African-American, 0.37%; 3 homozygotes.

Submissions (4):

Labcorp Genetics (formerly Invitae), Labcorp
Classification: Likely benign. Last evaluated: 2025-07-27. Review status: criteria provided, single submitter. Criteria: Invitae Variant Classification Sherloc (09022015). Collection method: clinical testing. Allele origin: germline.

Genome-Nilou Lab
Classification: Likely benign for Pelviscapular dysplasia. Last evaluated: 2023-04-11. Review status: criteria provided, single submitter. Criteria: ACMG Guidelines, 2015. Collection method: clinical testing. Allele origin: germline. Affected: no.

Eurofins Ntd Llc (ga)
Classification: Likely benign. Last evaluated: 2017-01-23. Review status: criteria provided, single submitter. Criteria: EGL Classification Definitions 2015. Collection method: clinical testing. Allele origin: germline. Observed: 2 variant alleles, 2 heterozygotes.

PreventionGenetics, part of Exact Sciences
Classification: Likely benign for TBX15-related condition. Last evaluated: 2020-12-31. Review status: no assertion criteria provided. Collection method: clinical testing. Allele origin: germline. Not counted in ClinVar's aggregate classification.
Comment: This variant is classified as likely benign based on ACMG/AMP sequence variant interpretation guidelines (Richards et al. 2015 PMID: 25741868, with internal and published modifications).

NM_001330677.2(TBX15):c.980G>A (p.Arg327His)

Gene: TBX15 (T-box transcription factor 15; minus strand). Cytogenetic location: 1p12.
Variant type: single nucleotide variant.
Coding change: c.980G>A on transcript NM_001330677.2 (MANE Select); coding-DNA position 980, G replaced by A.
Protein change: p.Arg327His; replaces arginine 327 with histidine.
Molecular consequence: missense variant.
Genome position (GRCh38, 1-based): chr1:118,899,072, C>T on the plus strand (G>A on the coding strand, the complement: TBX15 is on the minus strand). VCF-style: chr1-118899072-C-T. GRCh37 (hg19) VCF-style: chr1-119441695-C-T.
Other names: c.662G>A, p.Arg221His (NM_152380.3); short protein forms R221H, R327H.
Identifiers: ClinVar variation 287637 (VCV000287637.16), dbSNP rs141002143, ClinGen allele CA1034934.